The following is an entry in ClinVar:

NM_001083961.2(WDR62):c.1516C>T (p.His506Tyr)

Gene: WDR62 (WD repeat domain 62; plus strand). Cytogenetic location: 19q13.12.
Variant type: single nucleotide variant.
Coding change: c.1516C>T on transcript NM_001083961.2 (MANE Select); coding-DNA position 1516, C replaced by T.
Protein change: p.His506Tyr; replaces histidine 506 with tyrosine.
Molecular consequence: missense variant.
Genome position (GRCh38, 1-based): chr19:36,083,207, C>T. VCF-style: chr19-36083207-C-T. GRCh37 (hg19) VCF-style: chr19-36574109-C-T.
Other names: p.His506Tyr; c.1501C>T, p.His501Tyr (NM_001411145.1); c.1516C>T, p.His506Tyr (NM_001411146.1, NM_173636.5); c.1165C>T, p.His389Tyr (NM_001411147.1); short protein forms H389Y, H501Y, H506Y.
Identifiers: ClinVar variation 2683493 (VCV002683493.1), dbSNP rs1364749775, ClinGen allele CA405437523.

ClinVar aggregate classification (germline): Uncertain significance (1 of 4 stars; one submission).

Allele frequency attached by ClinVar (database versions not stated): gnomAD exomes below 0.00001; TOPMed 0.00001.
gnomAD v4.1: 2 of 1,608,332 alleles (0.00012%); highest among the groups gnomAD compares: Non-Finnish European, 0.00017%; no homozygotes.

Submission:

Mayo Clinic Laboratories, Mayo Clinic
Classification: Uncertain significance. Last evaluated: 2022-04-18. Review status: criteria provided, single submitter. Criteria: ACMG Guidelines, 2015. Collection method: clinical testing. Allele origin: germline. Observed: 1 variant allele.
Comment: PM2